The following is an entry in ClinVar:

NM_016507.4(CDK12):c.740A>G (p.Asp247Gly)

Genes: CDK12 (cyclin dependent kinase 12; plus strand), LOC126862553 (CDK7 strongly-dependent group 2 enhancer GRCh37_chr17:37618166-37619365; plus strand). Cytogenetic location: 17q12.
Variant type: single nucleotide variant.
Coding change: c.740A>G on transcript NM_016507.4 (MANE Select); coding-DNA position 740, A replaced by G.
Protein change: p.Asp247Gly; replaces aspartic acid 247 with glycine.
Molecular consequence: missense variant.
Genome position (GRCh38, 1-based): chr17:39,462,811, A>G. VCF-style: chr17-39462811-A-G. GRCh37 (hg19) VCF-style: chr17-37619064-A-G.
Other names: c.740A>G, p.Asp247Gly (NM_015083.4); short protein forms D247G.
Identifiers: ClinVar variation 4868532 (VCV004868532.1).

ClinVar aggregate classification (germline): Uncertain significance (1 of 4 stars; one submission).

gnomAD v4.1: 1 of 1,614,142 alleles (0.000062%); highest among the groups gnomAD compares: Non-Finnish European, 0.000085%; no homozygotes.

Submission:

Ambry Genetics
Classification: Uncertain significance. Last evaluated: 2026-05-14. Review status: criteria provided, single submitter. Criteria: Ambry Variant Classification Scheme 2023. Collection method: clinical testing. Allele origin: germline.
Comment: The p.D247G variant (also known as c.740A>G), located in coding exon 1 of the CDK12 gene, results from an A to G substitution at nucleotide position 740. The aspartic acid at codon 247 is replaced by glycine, an amino acid with similar properties. This amino acid position is conserved. In addition, this alteration is predicted to be tolerated by in silico analysis. Based on the available evidence, the clinical significance of this variant remains unclear.